The following is an entry in ClinVar:

ClinVar aggregate classification (germline): Likely pathogenic (1 of 4 stars; one submission).

Conditions:
SIN3A-related intellectual disability syndrome due to a point mutation. Also called: WITTEVEEN-KOLK SYNDROME; 15q24 Microdeletion Syndrome. Identifiers: Orphanet 500166, Orphanet 94065, MedGen C4310804, MONDO:0044700, OMIM 613406.

Submission:

3billion
Classification: Likely pathogenic for SIN3A-related intellectual disability syndrome due to a point mutation. Last evaluated: 2024-08-30. Review status: criteria provided, single submitter. Criteria: ACMG Guidelines, 2015. Collection method: clinical testing. Allele origin: germline. Affected: yes.
Comment: The variant is not observed in the gnomAD v4.0.0 dataset. Predicted Consequence/Location: Frameshift: predicted to result in a loss or disruption of normal protein function through nonsense-mediated decay (NMD) or protein truncation. Multiple pathogenic variants are reported downstream of the variant. Therefore, this variant is classified as Likely pathogenic according to the recommendation of ACMG/AMP guideline.

NM_001145358.2(SIN3A):c.1798del (p.Ser600fs)

Gene: SIN3A (SIN3 transcription regulator family member A; minus strand). Cytogenetic location: 15q24.2.
Variant type: Deletion.
Coding change: c.1798del on transcript NM_001145358.2 (MANE Select); coding-DNA position 1798, one base deleted (T; older notation c.1798delT).
Protein change: p.Ser600fs; shifts the reading frame from serine 600.
Molecular consequence: frameshift variant.
Genome position (GRCh38, 1-based): chr15:75,400,096, A deleted on the plus strand (T on the coding strand, the reverse complement: SIN3A is on the minus strand); the first of 2 consecutive A bases (chr15:75,400,096-75,400,097); deleting either gives the same sequence. VCF-style (leftmost placement, unchanged base first): chr15-75400095-GA-G. GRCh37 (hg19) VCF-style: chr15-75692436-GA-G.
Other names: c.1798del, p.Ser600fs (NM_001145357.2, NM_001437462.1, NM_001437463.1 and 1 more transcripts); short protein forms S600fs.
Identifiers: ClinVar variation 4292948 (VCV004292948.1).